The following is an entry in ClinVar:

NM_001365276.2(TNXB):c.1263_1480delinsTTGGCCGGGGTACACAGGCCGGGATTGCGGCT (p.Thr428_Thr494delinsArgAspCysGlySer)

Gene: TNXB (tenascin XB; minus strand). Cytogenetic location: 6p21.33.
Variant type: Indel.
Coding change: c.1263_1480delinsTTGGCCGGGGTACACAGGCCGGGATTGCGGCT on transcript NM_001365276.2 (MANE Select); coding-DNA positions 1263 to 1480, the reference bases replaced by an inserted sequence.
Protein change: p.Thr428_Thr494delinsArgAspCysGlySer.
Molecular consequence: inframe indel.
Genome position (GRCh38, 1-based): chr6:32,096,373-32,096,590, 218 bases replaced. GRCh37 (hg19): chr6:32,064,150-32,064,367.
Other names: p.Thr428_Thr494delinsArgAspCysGlySer; c.1263_1480delinsTTGGCCGGGGTACACAGGCCGGGATTGCGGCT, p.Thr428_Thr494delinsArgAspCysGlySer (NM_001428335.1, NM_019105.8); c.1263_1480delinsTTGGCCGGGGTACACAGGCCGGGATTGCGGCT (NM_019105.6).
Identifiers: ClinVar variation 3379670 (VCV003379670.2).

ClinVar aggregate classification (germline): Uncertain significance. Review status: criteria provided, multiple submitters, no conflicts (2 of 4 stars). 2 submissions from 2 submitters: Uncertain significance (2). Last evaluated 2025-08-06.

Submissions (2):

GeneDx
Classification: Uncertain significance. Last evaluated: 2025-08-06. Review status: criteria provided, single submitter. Criteria: GeneDx Variant Classification Process June 2021. Collection method: clinical testing. Allele origin: germline. Affected: yes.
Comment: Has not been previously published as pathogenic or benign to our knowledge; In-frame deletion of 67 amino acids and insertion of 5 different amino acids in a non-repeat region; Not observed at significant frequency in large population cohorts (gnomAD); In silico analysis does not support a benign or deleterious effect of this variant on protein structure/function

Mayo Clinic Laboratories, Mayo Clinic
Classification: Uncertain significance. Last evaluated: 2024-09-27. Review status: criteria provided, single submitter. Criteria: ACMG Guidelines, 2015. Collection method: clinical testing. Allele origin: germline. Observed: 1 variant allele.